The following is an entry in ClinVar:

ClinVar aggregate classification (germline): Conflicting classifications of pathogenicity. Review status: criteria provided, conflicting classifications (1 of 4 stars). 3 submissions from 3 submitters: Uncertain significance (2); Likely benign (1). Last evaluated 2025-12-29.

Conditions:
COL11A2-related disorder. Also called: COL11A2-related disorders; COL11A2-related condition.

Allele frequency attached by ClinVar (database versions not stated): gnomAD exomes 0.00002; TOPMed 0.00003; gnomAD 0.00004.
gnomAD v4.1: 29 of 1,612,440 alleles (0.0018%); highest among the groups gnomAD compares: Non-Finnish European, 0.0022%; no homozygotes.

Submissions (3):

Labcorp Genetics (formerly Invitae), Labcorp
Classification: Likely benign. Last evaluated: 2025-12-29. Review status: criteria provided, single submitter. Criteria: Invitae Variant Classification Sherloc (09022015). Collection method: clinical testing. Allele origin: germline.

PreventionGenetics, part of Exact Sciences
Classification: Uncertain significance for COL11A2-related condition. Last evaluated: 2025-09-08. Review status: criteria provided, single submitter. Criteria: ACMG Guidelines, 2015. Collection method: clinical testing. Allele origin: germline.
Comment: The COL11A2 c.1673G>A variant is predicted to result in the amino acid substitution p.Arg558Gln. To our knowledge, this variant has not been reported in the literature. This variant is reported in 0.0065% of alleles in individuals of African descent in gnomAD. At this time, the clinical significance of this variant is uncertain due to the absence of conclusive functional and genetic evidence.

Blueprint Genetics
Classification: Uncertain significance. Last evaluated: 2022-09-23. Review status: criteria provided, single submitter. Criteria: ACMG Guidelines, 2015. Collection method: clinical testing. Allele origin: germline.

NM_080680.3(COL11A2):c.1673G>A (p.Arg558Gln)

Gene: COL11A2 (collagen type XI alpha 2 chain; minus strand). Cytogenetic location: 6p21.32.
Variant type: single nucleotide variant.
Coding change: c.1673G>A on transcript NM_080680.3 (MANE Select); coding-DNA position 1673, G replaced by A.
Protein change: p.Arg558Gln; replaces arginine 558 with glutamine.
Molecular consequence: missense variant.
Genome position (GRCh38, 1-based): chr6:33,178,725, C>T on the plus strand (G>A on the coding strand, the complement: COL11A2 is on the minus strand). VCF-style: chr6-33178725-C-T. GRCh37 (hg19) VCF-style: chr6-33146502-C-T.
Other names: c.647G>A, p.Arg216Gln (NM_001424111.1, NM_001424110.1); c.1352G>A, p.Arg451Gln (NM_080679.3); c.1415G>A, p.Arg472Gln (NM_080681.3); c.1493G>A, p.Arg498Gln (NM_001424108.1); c.827G>A, p.Arg276Gln (NM_001424109.1); c.1673G>A (NM_080680.2); short protein forms R276Q, R451Q, R216Q, R472Q, R498Q, R558Q.
Identifiers: ClinVar variation 2775814 (VCV002775814.5), dbSNP rs528974246, ClinGen allele CA137073950.
Genomic context (GRCh38, chr6:33,178,725, plus strand): 5'-ACTAATGTACTCACCCTATGGCCCTTCTCTCCAGGGAGCCCTGGGAGTCCATCAAAACCT[C>T]GGTCACCCTAGGAGGAGGAAGGATAGCCAGAGTGAGGACACGACCCTGTCCAAGCCCACC-3'
Protein context (NP_542411.2, residues 548-568): MPGDPGVKGD[Arg558Gln]GFDGLPGLPG